The following is an entry in ClinVar:

ClinVar aggregate classification (germline): Likely benign. Review status: criteria provided, multiple submitters, no conflicts (2 of 4 stars). 2 submissions from 2 submitters: Likely benign (2). Last evaluated 2025-10-23.

Conditions:
Kabuki syndrome. Also called: NIIKAWA-KUROKI SYNDROME; Kabuki make-up syndrome. Identifiers: Orphanet 2322, MedGen C0796004, MONDO:0016512.

Allele frequency attached by ClinVar (database versions not stated): gnomAD exomes below 0.00001; gnomAD 0.00001.
gnomAD v4.1: 4 of 1,613,552 alleles (0.00025%); highest among the groups gnomAD compares: Non-Finnish European, 0.00034%; no homozygotes.

Submissions (2):

Labcorp Genetics (formerly Invitae), Labcorp
Classification: Likely benign for Kabuki syndrome. Last evaluated: 2025-10-23. Review status: criteria provided, single submitter. Criteria: Invitae Variant Classification Sherloc (09022015). Collection method: clinical testing. Allele origin: germline.

CeGaT Center for Human Genetics Tuebingen
Classification: Likely benign. Last evaluated: 2024-12-01. Review status: criteria provided, single submitter. Criteria: CeGaT Center For Human Genetics Tuebingen Variant Classification Criteria Version 2. Collection method: clinical testing. Allele origin: germline. Affected: yes. Observed: 1 variant allele.
Comment: KMT2D: BP4

NM_003482.4(KMT2D):c.14554A>G (p.Thr4852Ala)

Gene: KMT2D (lysine methyltransferase 2D; minus strand). Cytogenetic location: 12q13.12.
Variant type: single nucleotide variant.
Coding change: c.14554A>G on transcript NM_003482.4 (MANE Select); coding-DNA position 14554, A replaced by G.
Protein change: p.Thr4852Ala; replaces threonine 4852 with alanine.
Molecular consequence: missense variant.
Genome position (GRCh38, 1-based): chr12:49,027,892, T>C on the plus strand (A>G on the coding strand, the complement: KMT2D is on the minus strand). VCF-style: chr12-49027892-T-C. GRCh37 (hg19) VCF-style: chr12-49421675-T-C.
Other names: short protein forms T4852A.
Identifiers: ClinVar variation 1926753 (VCV001926753.18), dbSNP rs1436675990, ClinGen allele CA384694465.